The following is an entry in ClinVar:

NM_000548.5(TSC2):c.1839+7T>C

Gene: TSC2 (TSC complex subunit 2; plus strand). Cytogenetic location: 16p13.3.
Variant type: single nucleotide variant.
Coding change: c.1839+7T>C on transcript NM_000548.5 (MANE Select); 7 bases into the intron after coding-DNA position 1839, T replaced by C.
Molecular consequence: intron variant.
Genome position (GRCh38, 1-based): chr16:2,070,585, T>C. VCF-style: chr16-2070585-T-C. GRCh37 (hg19) VCF-style: chr16-2120586-T-C.
Other names: c.1839+7T>C (NM_000548.4, NM_001114382.3, NM_001406663.1 and 7 more transcripts); c.495+7T>C (NM_001406693.1, NM_001406689.1, NM_001406690.1 and 6 more transcripts); c.1929+7T>C (NM_001406667.1, NM_001406668.1); c.1239+7T>C (NM_001406680.1, NM_001406683.1, NM_001406687.1 and 6 more transcripts); c.237+7T>C (NM_001406698.1); c.1827+7T>C (NM_001406671.1, NM_001406673.1); c.1377+7T>C (NM_001406681.1); c.1728+7T>C (NM_001406670.1, NM_001318827.2, NM_001406678.1); and 3 more.
Identifiers: ClinVar variation 2901373 (VCV002901373.5), dbSNP rs2088153162, ClinGen allele CA973770351.

ClinVar aggregate classification (germline): Likely benign. Review status: criteria provided, multiple submitters, no conflicts (2 of 4 stars). 3 submissions from 3 submitters: Likely benign (3). Last evaluated 2025-09-16.

Conditions:
TSC2-related disorder. Also called: TSC2-Related Disorders; TSC2-related condition.
Tuberous sclerosis 2 (TSC2). Identifiers: Orphanet 805, MedGen C1860707, MONDO:0013199, OMIM 613254.

Allele frequency attached by ClinVar (database versions not stated): gnomAD exomes below 0.00001; gnomAD 0.00001.
gnomAD v4.1: 3 of 1,612,826 alleles (0.00019%); highest among the groups gnomAD compares: East Asian, 0.0022%; no homozygotes.

Submissions (3):

PreventionGenetics, part of Exact Sciences
Classification: Likely benign for TSC2-related condition. Last evaluated: 2025-09-16. Review status: criteria provided, single submitter. Criteria: ACMG Guidelines, 2015. Collection method: clinical testing. Allele origin: germline.
Comment: This variant is classified as likely benign based on ACMG/AMP sequence variant interpretation guidelines (Richards et al. 2015 PMID: 25741868, with internal and published modifications).

Myriad Genetics, Inc.
Classification: Likely benign for Tuberous sclerosis 2. Last evaluated: 2025-05-15. Review status: criteria provided, single submitter. Criteria: Myriad Autosomal Dominant, Autosomal Recessive and X-Linked Classification Criteria (2023). Collection method: clinical testing. Allele origin: unknown.
Comment: This variant is considered likely benign. This variant is intronic and is not expected to impact mRNA splicing.

Labcorp Genetics (formerly Invitae), Labcorp
Classification: Likely benign for Tuberous sclerosis 2. Last evaluated: 2024-07-02. Review status: criteria provided, single submitter. Criteria: Invitae Variant Classification Sherloc (09022015). Collection method: clinical testing. Allele origin: germline.